The following is an entry in ClinVar:

NM_005677.4(COLQ):c.275C>T (p.Pro92Leu)

Gene: COLQ (collagen like tail subunit of asymmetric acetylcholinesterase; minus strand). Cytogenetic location: 3p25.1.
Variant type: single nucleotide variant.
Coding change: c.275C>T on transcript NM_005677.4 (MANE Select); coding-DNA position 275, C replaced by T.
Protein change: p.Pro92Leu; replaces proline 92 with leucine.
Molecular consequence: missense variant. On other transcripts: intron variant (1).
Genome position (GRCh38, 1-based): chr3:15,488,252, G>A on the plus strand (C>T on the coding strand, the complement: COLQ is on the minus strand). VCF-style: chr3-15488252-G-A. GRCh37 (hg19) VCF-style: chr3-15529759-G-A.
Other names: c.245C>T, p.Pro82Leu (NM_080538.2); c.219+1273C>T (NM_080539.4); c.275C>T (NM_005677.3); short protein forms P82L, P92L.
Identifiers: ClinVar variation 1008843 (VCV001008843.9), dbSNP rs757464366, ClinGen allele CA2276265.
Genomic context (GRCh38, chr3:15,488,252, plus strand): 5'-TAGAGTGCACCAACCTGGGGGCCGGGAGGCCCAGGGGAGCCTAGCGAGCCTTGCATGCAC[G>A]GGGACTGCGAGGTCTCCAGTTCCAGCATGAGATTCTTCATGTCTGGGGAGAGAAGCTTCA-3'
Protein context (NP_005668.2, residues 82-102): LMLELETSQS[Pro92Leu]CMQGSLGSPG

ClinVar aggregate classification (germline): Uncertain significance. Review status: criteria provided, multiple submitters, no conflicts (2 of 4 stars). 2 submissions from 2 submitters: Uncertain significance (2). Last evaluated 2025-10-23.

Conditions:
Inborn genetic diseases. Identifiers: MedGen C0950123, MeSH D030342.
Congenital myasthenic syndrome 5. Identifiers: Orphanet 590, MedGen C1864233, MONDO:0011281, OMIM 603034.

Allele frequency attached by ClinVar (database versions not stated): gnomAD exomes below 0.00001 and 0.00001; ExAC 0.00001.
gnomAD v4.1: 15 of 1,613,516 alleles (0.00093%); highest among the groups gnomAD compares: African/African-American, 0.0013%; no homozygotes.

Submissions (2):

Ambry Genetics
Classification: Uncertain significance for Inborn genetic diseases. Last evaluated: 2025-10-23. Review status: criteria provided, single submitter. Criteria: Ambry Variant Classification Scheme 2023. Collection method: clinical testing. Allele origin: germline.

Labcorp Genetics (formerly Invitae), Labcorp
Classification: Uncertain significance for Congenital myasthenic syndrome 5. Last evaluated: 2022-02-02. Review status: criteria provided, single submitter. Criteria: Invitae Variant Classification Sherloc (09022015). Collection method: clinical testing. Allele origin: germline.
Comment: In summary, the available evidence is currently insufficient to determine the role of this variant in disease. Therefore, it has been classified as a Variant of Uncertain Significance. Algorithms developed to predict the effect of missense changes on protein structure and function output the following: SIFT: "Tolerated"; PolyPhen-2: "Probably Damaging"; Align-GVGD: "Class C0". The leucine amino acid residue is found in multiple mammalian species, which suggests that this missense change does not adversely affect protein function. ClinVar contains an entry for this variant (Variation ID: 1008843). This variant has not been reported in the literature in individuals affected with COLQ-related conditions. This variant is present in population databases (rs757464366, gnomAD 0.0009%). This sequence change replaces proline, which is neutral and non-polar, with leucine, which is neutral and non-polar, at codon 92 of the COLQ protein (p.Pro92Leu).